The following is an entry in ClinVar:

ClinVar aggregate classification (germline): Likely pathogenic. Review status: criteria provided, multiple submitters, no conflicts (2 of 4 stars). 2 submissions from 2 submitters: Likely pathogenic (2). Last evaluated 2025-10-20.

Conditions:
RAG1-related disorder. Also called: RAG1-related disorders; RAG1-related condition.
Histiocytic medullary reticulosis. Also called: SEVERE COMBINED IMMUNODEFICIENCY WITH HYPEREOSINOPHILIA; Omenn syndrome. Identifiers: Orphanet 39041, MedGen C2700553, MONDO:0011338, OMIM 603554.
Severe combined immunodeficiency, autosomal recessive, T cell-negative, B cell-negative, NK cell-positive. Also called: SCID, T CELL-NEGATIVE, B CELL-NEGATIVE, NK CELL-POSITIVE; SCID, AR, T-cell negative, B-cell negative, NK cell-positive; Severe combined immunodeficiency due to complete RAG1/2 deficiency. Identifiers: Orphanet 331206, MedGen C1832322, MONDO:0011086, OMIM 601457.
Combined immunodeficiency due to partial RAG1 deficiency. Identifiers: Orphanet 231154, MedGen C1835931, MONDO:0012359, OMIM 609889.
Combined immunodeficiency with skin granulomas. Identifiers: Orphanet 157949, MedGen C2673536, MONDO:0009306, OMIM 233650.

Submissions (2):

3billion
Classification: Likely pathogenic for RAG1-related disorder. Last evaluated: 2025-10-20. Review status: criteria provided, single submitter. Criteria: ACMG Guidelines, 2015. Collection method: clinical testing. Allele origin: germline. Affected: yes.
Comment: The variant is not observed in the gnomAD v4.1.0 dataset. Predicted Consequence/Location: Frameshift: predicted to result in a loss or disruption of normal protein function through protein truncation. The predicted truncated protein may be shortened by more than 10%. The variant has been reported to be associated with RAG1-related disorder (ClinVar ID: VCV003599580). Therefore, this variant is classified as Likely pathogenic according to the recommendation of ACMG/AMP guideline.

Fulgent Genetics
Classification: Likely pathogenic for Combined immunodeficiency with skin granulomas; Severe combined immunodeficiency, autosomal recessive, T cell-negative, B cell-negative, NK cell-positive; Histiocytic medullary reticulosis; Combined immunodeficiency due to partial RAG1 deficiency. Last evaluated: 2024-01-23. Review status: criteria provided, single submitter. Criteria: ACMG Guidelines, 2015. Collection method: clinical testing. Allele origin: germline.

NM_000448.3(RAG1):c.2025_2031dup (p.Leu678fs)

Gene: RAG1 (recombination activating 1; plus strand). Cytogenetic location: 11p12.
Variant type: Duplication.
Coding change: c.2025_2031dup on transcript NM_000448.3 (MANE Select); coding-DNA positions 2025 to 2031, 7 bases duplicated (GAGTCCT; older notation c.2025_2031dupGAGTCCT).
Protein change: p.Leu678fs; shifts the reading frame from leucine 678.
Molecular consequence: frameshift variant.
Genome position (GRCh38, 1-based): chr11:36,575,329-36,575,335, GAGTCCT duplicated; duplicating any 7 consecutive bases within chr11:36,575,325-36,575,335 gives the same sequence; the c. name uses the placement nearest the transcript's 3' end. VCF-style (leftmost placement, unchanged base first): chr11-36575324-A-ATCCTGAG. GRCh37 (hg19) VCF-style: chr11-36596874-A-ATCCTGAG.
Other names: c.2025_2031dup, p.Leu678fs (NM_001377277.1, NM_001377278.1, NM_001377279.1 and 1 more transcripts); short protein forms L678fs.
Identifiers: ClinVar variation 3599580 (VCV003599580.2).